The following is an entry in ClinVar:

ClinVar aggregate classification (germline): Uncertain significance (1 of 4 stars; one submission).

Conditions:
Congenital myotonia, autosomal dominant form (THD). Also called: THOMSEN DISEASE; Myotonia congenita autosomal dominant. Identifiers: Orphanet 614, MedGen C2936781, MONDO:0008055, OMIM 160800.
Congenital myotonia, autosomal recessive form. Also called: Becker Generalized Myotonia; myotonia congenita, autosomal recessive; BECKER DISEASE. Identifiers: Orphanet 614, MedGen C0751360, MONDO:0009715, OMIM 255700.

Allele frequency attached by ClinVar (database versions not stated): gnomAD exomes below 0.00001.
gnomAD v4.1: 2 of 1,613,858 alleles (0.00012%); highest among the groups gnomAD compares: Non-Finnish European, 0.000085%; no homozygotes.

Submission:

Labcorp Genetics (formerly Invitae), Labcorp
Classification: Uncertain significance for Congenital myotonia, autosomal recessive form; Congenital myotonia, autosomal dominant form. Last evaluated: 2021-08-31. Review status: criteria provided, single submitter. Criteria: Invitae Variant Classification Sherloc (09022015). Collection method: clinical testing. Allele origin: germline.
Comment: This sequence change replaces serine with glycine at codon 85 of the CLCN1 protein (p.Ser85Gly). The serine residue is moderately conserved and there is a small physicochemical difference between serine and glycine. This variant is not present in population databases (ExAC no frequency). This variant has not been reported in the literature in individuals affected with CLCN1-related conditions. Algorithms developed to predict the effect of missense changes on protein structure and function output the following: SIFT: "Tolerated"; PolyPhen-2: "Benign"; Align-GVGD: "Class C0". The glycine amino acid residue is found in multiple mammalian species, which suggests that this missense change does not adversely affect protein function. In summary, the available evidence is currently insufficient to determine the role of this variant in disease. Therefore, it has been classified as a Variant of Uncertain Significance.

NM_000083.3(CLCN1):c.253A>G (p.Ser85Gly)

Gene: CLCN1 (chloride voltage-gated channel 1; plus strand). Cytogenetic location: 7q34.
Variant type: single nucleotide variant.
Coding change: c.253A>G on transcript NM_000083.3 (MANE Select); coding-DNA position 253, A replaced by G.
Protein change: p.Ser85Gly; replaces serine 85 with glycine.
Molecular consequence: missense variant. On other transcripts: non-coding transcript variant (1).
Genome position (GRCh38, 1-based): chr7:143,319,827, A>G. VCF-style: chr7-143319827-A-G. GRCh37 (hg19) VCF-style: chr7-143016920-A-G.
Other names: short protein forms S85G.
Identifiers: ClinVar variation 851926 (VCV000851926.7), dbSNP rs1193157349, ClinGen allele CA369680787.